The following is an entry in ClinVar:

NC_000002.11:g.(?_47596287)_(47596720_?)dup

Gene: EPCAM (epithelial cell adhesion molecule; plus strand). Cytogenetic location: 2p21.
Variant type: Duplication.
Identifiers: ClinVar variation 417533 (VCV000417533.1).

ClinVar aggregate classification (germline): Uncertain significance (1 of 4 stars; one submission).

Conditions:
Lynch syndrome. Identifiers: Orphanet 144, MedGen C4552100, MONDO:0005835. Disease mechanism: loss of function.

Submission:

Labcorp Genetics (formerly Invitae), Labcorp
Classification: Uncertain significance for Hereditary nonpolyposis colorectal neoplasms. Last evaluated: 2016-10-18. Review status: criteria provided, single submitter. Criteria: Invitae Variant Classification Sherloc (09022015). Collection method: clinical testing. Allele origin: germline.
Comment: This variant is a gross duplication of the genomic region encompassing exon 1 of the EPCAM gene. The 5' end of this event is unknown as it extends beyond the assayed region for this gene and therefore may encompass additional genes. The 3' boundary is likely confined to intron 1 of the EPCAM gene. This duplication has not been reported in the literature in individuals with a EPCAM-related disease. Experimental studies and prediction algorithms are not available for this variant, and the functional significance of this duplication is currently unknown. In summary, the exact genomic location of this variant is unknown and the impact of this duplication on EPCAM protein function has not been established. Therefore, it has been classified as a Variant of Uncertain Significance.